The following is an entry in ClinVar:

ClinVar aggregate classification (germline): Benign/Likely benign. Review status: criteria provided, multiple submitters, no conflicts (2 of 4 stars). 6 submissions from 6 submitters: Benign (1); Likely benign (5). Last evaluated 2026-01-21.

Conditions:
Tuberous sclerosis 1 (TSC1). Identifiers: Orphanet 805, MedGen C1854465, MONDO:0008612, OMIM 191100.

Allele frequency attached by ClinVar (database versions not stated): gnomAD exomes 0.00004; ExAC 0.00007; TOPMed 0.00014; gnomAD 0.00016 and 0.00017; ESP Exome Variant Server 0.00038.
gnomAD v4.1: 73 of 1,611,784 alleles (0.0045%); highest among the groups gnomAD compares: African/African-American, 0.057%; 1 homozygote.

Submissions (6):

Labcorp Genetics (formerly Invitae), Labcorp
Classification: Likely benign for Tuberous sclerosis 1. Last evaluated: 2026-01-21. Review status: criteria provided, single submitter. Criteria: Invitae Variant Classification Sherloc (09022015). Collection method: clinical testing. Allele origin: germline.

Blueprint Genetics
Classification: Likely benign. Last evaluated: 2024-06-06. Review status: criteria provided, single submitter. Criteria: ACMG Guidelines, 2015. Collection method: clinical testing. Allele origin: germline.

Department of Pathology and Laboratory Medicine, Sinai Health System
Classification: Likely benign for Tuberous sclerosis 1. Last evaluated: 2024-02-01. Review status: criteria provided, single submitter. Criteria: ACMG Guidelines, 2015. Collection method: clinical testing. Allele origin: germline. Affected: yes.

Genome-Nilou Lab
Classification: Benign for Tuberous sclerosis 1. Last evaluated: 2021-11-07. Review status: criteria provided, single submitter. Criteria: ACMG Guidelines, 2015. Collection method: clinical testing. Allele origin: germline. Affected: no.

GeneDx
Classification: Likely benign. Last evaluated: 2017-11-15. Review status: criteria provided, single submitter. Criteria: GeneDx Variant Classification (06012015). Collection method: clinical testing. Allele origin: germline. Affected: yes.
Comment: This variant is considered likely benign or benign based on one or more of the following criteria: it is a conservative change, it occurs at a poorly conserved position in the protein, it is predicted to be benign by multiple in silico algorithms, and/or has population frequency not consistent with disease.

PreventionGenetics, part of Exact Sciences
Classification: Likely benign. Review status: criteria provided, single submitter. Criteria: ACMG Guidelines, 2015. Collection method: clinical testing. Allele origin: germline.

NM_000368.5(TSC1):c.1333+14G>A

Gene: TSC1 (TSC complex subunit 1; minus strand). Cytogenetic location: 9q34.13.
Variant type: single nucleotide variant.
Coding change: c.1333+14G>A on transcript NM_000368.5 (MANE Select); 14 bases into the intron after coding-DNA position 1333, G replaced by A.
Molecular consequence: intron variant.
Genome position (GRCh38, 1-based): chr9:132,907,287, C>T on the plus strand (G>A on the coding strand, the complement: TSC1 is on the minus strand). VCF-style: chr9-132907287-C-T. GRCh37 (hg19) VCF-style: chr9-135782674-C-T.
Other names: c.970+14G>A (NM_001362177.2); c.1180+14G>A (NM_001162427.2); c.1330+14G>A (NM_001162426.2).
Identifiers: ClinVar variation 255947 (VCV000255947.13), dbSNP rs371733518, ClinGen allele CA028124.